The following is an entry in ClinVar:

ClinVar aggregate classification (germline): Conflicting classifications of pathogenicity. Review status: criteria provided, conflicting classifications (1 of 4 stars). 4 submissions from 4 submitters: Uncertain significance (2); Likely benign (2). Last evaluated 2025-07-21.

Conditions:
Tyrosinemia type I (TYRSN1). Also called: FAH DEFICIENCY; Deficiency of fumarylacetoacetase; HEPATORENAL TYROSINEMIA; Tyrosinemia type 1; Fumarylacetoacetase deficiency. Identifiers: Orphanet 882, MedGen C0268490, MONDO:0010161, OMIM 276700. Disease mechanism: loss of function.
FAH-related disorder. Also called: FAH-related condition.

Allele frequency attached by ClinVar (database versions not stated): ExAC 0.00002; gnomAD exomes 0.00002 and 0.00003; TOPMed 0.00008; gnomAD 0.00012 and 0.00013; 1000 Genomes Project 30x 0.00016; 1000 Genomes Project 0.00020.
gnomAD v4.1: 51 of 1,612,798 alleles (0.0032%); highest among the groups gnomAD compares: African/African-American, 0.046%; no homozygotes.

Submissions (4):

Labcorp Genetics (formerly Invitae), Labcorp
Classification: Likely benign for Tyrosinemia type I. Last evaluated: 2025-07-21. Review status: criteria provided, single submitter. Criteria: Invitae Variant Classification Sherloc (09022015). Collection method: clinical testing. Allele origin: germline.

PreventionGenetics, part of Exact Sciences
Classification: Likely benign for FAH-related condition. Last evaluated: 2025-02-10. Review status: criteria provided, single submitter. Criteria: ACMG Guidelines, 2015. Collection method: clinical testing. Allele origin: germline.
Comment: This variant is classified as likely benign based on ACMG/AMP sequence variant interpretation guidelines (Richards et al. 2015 PMID: 25741868, with internal and published modifications).

Eurofins Ntd Llc (ga)
Classification: Uncertain significance. Last evaluated: 2018-09-18. Review status: criteria provided, single submitter. Criteria: EGL ClinVar v180209 classification definitions. Collection method: clinical testing. Allele origin: germline. Observed: 2 variant alleles, 2 heterozygotes.

Illumina Laboratory Services, Illumina
Classification: Uncertain significance for Tyrosinemia type I. Last evaluated: 2018-01-13. Review status: criteria provided, single submitter. Criteria: ICSL Variant Classification Criteria 13 December 2019. Collection method: clinical testing. Allele origin: germline.

NM_000137.4(FAH):c.864C>T (p.Cys288=)

Gene: FAH (fumarylacetoacetate hydrolase; plus strand). Cytogenetic location: 15q25.1.
Variant type: single nucleotide variant.
Coding change: c.864C>T on transcript NM_000137.4 (MANE Select); coding-DNA position 864, C replaced by T.
Protein change: p.Cys288=; no amino-acid change (cysteine 288 retained).
Molecular consequence: synonymous variant.
Genome position (GRCh38, 1-based): chr15:80,175,042, C>T. VCF-style: chr15-80175042-C-T. GRCh37 (hg19) VCF-style: chr15-80467384-C-T.
Other names: c.864C>T, p.Cys288= (NM_001374377.1, NM_001374380.1).
Identifiers: ClinVar variation 594812 (VCV000594812.19), dbSNP rs370273424, ClinGen allele CA7691379.